The following is an entry in ClinVar:

NM_002473.6(MYH9):c.2427G>A (p.Met809Ile)

Gene: MYH9 (myosin heavy chain 9; minus strand). Cytogenetic location: 22q12.3.
Variant type: single nucleotide variant.
Coding change: c.2427G>A on transcript NM_002473.6 (MANE Select); coding-DNA position 2427, G replaced by A.
Protein change: p.Met809Ile; replaces methionine 809 with isoleucine.
Molecular consequence: missense variant.
Genome position (GRCh38, 1-based): chr22:36,302,640, C>T on the plus strand (G>A on the coding strand, the complement: MYH9 is on the minus strand). VCF-style: chr22-36302640-C-T. GRCh37 (hg19) VCF-style: chr22-36698686-C-T.
Other names: short protein forms M809I.
Identifiers: ClinVar variation 3587992 (VCV003587992.3).
Genomic context (GRCh38, chr22:36,302,640, plus strand): 5'-CCGCCACCACTGCCAGTTCCGCAGCTTCAGGTAGGCAGCGCAGTTCCGCTGGAGGACCTT[C>T]ATGGCGGTAAGCTGCTGCTGCCGCTTGGCAAATGCTCTGTGTGGTGAGGAACATGGTCAG-3'
Protein context (NP_002464.1, residues 799-819): FAKRQQQLTA[Met809Ile]KVLQRNCAAY

ClinVar aggregate classification (germline): Uncertain significance. Review status: criteria provided, multiple submitters, no conflicts (2 of 4 stars). 2 submissions from 2 submitters: Uncertain significance (2). Last evaluated 2025-10-22.

Conditions:
Macrothrombocytopenia and granulocyte inclusions with or without nephritis or sensorineural hearing loss (MATINS). Also called: SEBASTIAN PLATELET SYNDROME; MACROTHROMBOCYTOPENIA WITH DISPERSED LEUKOCYTIC INCLUSIONS; MACROTHROMBOCYTOPENIA, NEPHRITIS, AND DEAFNESS; MACROTHROMBOCYTOPENIA, NEPHRITIS, DEAFNESS, AND LEUKOCYTE INCLUSIONS; ALPORT SYNDROME WITH MACROTHROMBOCYTOPENIA; Fechtner syndrome. Identifiers: Orphanet 182050, MedGen C5200934, MONDO:0015912, OMIM 155100.
Autosomal dominant nonsyndromic hearing loss 17. Also called: Deafness, autosomal dominant 17; Autosomal dominant nonsyndromic deafness 17. Identifiers: Orphanet 90635, MedGen C1863659, MONDO:0011350, OMIM 603622.

gnomAD v4.1: 5 of 1,613,576 alleles (0.00031%); highest among the groups gnomAD compares: Non-Finnish European, 0.00034%; no homozygotes.

Submissions (2):

Labcorp Genetics (formerly Invitae), Labcorp
Classification: Uncertain significance. Last evaluated: 2025-10-22. Review status: criteria provided, single submitter. Criteria: Invitae Variant Classification Sherloc (09022015). Collection method: clinical testing. Allele origin: germline.
Comment: This sequence change replaces methionine, which is neutral and non-polar, with isoleucine, which is neutral and non-polar, at codon 809 of the MYH9 protein (p.Met809Ile). This variant is not present in population databases (gnomAD no frequency). This variant has not been reported in the literature in individuals affected with MYH9-related conditions. ClinVar contains an entry for this variant (Variation ID: 3587992). Invitae Evidence Modeling of protein sequence and biophysical properties (such as structural, functional, and spatial information, amino acid conservation, physicochemical variation, residue mobility, and thermodynamic stability) indicates that this missense variant is not expected to disrupt MYH9 protein function with a negative predictive value of 95%. In summary, the available evidence is currently insufficient to determine the role of this variant in disease. Therefore, it has been classified as a Variant of Uncertain Significance.

Fulgent Genetics
Classification: Uncertain significance for Macrothrombocytopenia and granulocyte inclusions with or without nephritis or sensorineural hearing loss; Autosomal dominant nonsyndromic hearing loss 17. Last evaluated: 2024-05-07. Review status: criteria provided, single submitter. Criteria: ACMG Guidelines, 2015. Collection method: clinical testing. Allele origin: germline.